The following is an entry in ClinVar:

ClinVar aggregate classification (germline): Uncertain significance (1 of 4 stars; one submission).

Allele frequency attached by ClinVar (database versions not stated): TOPMed below 0.00001; gnomAD exomes 0.00001; ExAC 0.00002.
gnomAD v4.1: 5 of 1,610,674 alleles (0.00031%); highest among the groups gnomAD compares: Non-Finnish European, 0.00042%; no homozygotes.

Submission:

Labcorp Genetics (formerly Invitae), Labcorp
Classification: Uncertain significance. Last evaluated: 2023-03-27. Review status: criteria provided, single submitter. Criteria: Invitae Variant Classification Sherloc (09022015). Collection method: clinical testing. Allele origin: germline.
Comment: This variant has not been reported in the literature in individuals affected with RBBP8-related conditions. This variant is present in population databases (rs763868974, gnomAD 0.004%). This sequence change replaces alanine, which is neutral and non-polar, with serine, which is neutral and polar, at codon 258 of the RBBP8 protein (p.Ala258Ser). In summary, the available evidence is currently insufficient to determine the role of this variant in disease. Therefore, it has been classified as a Variant of Uncertain Significance. Advanced modeling of protein sequence and biophysical properties (such as structural, functional, and spatial information, amino acid conservation, physicochemical variation, residue mobility, and thermodynamic stability) performed at Invitae indicates that this missense variant is not expected to disrupt RBBP8 protein function.

NM_002894.3(RBBP8):c.772G>T (p.Ala258Ser)

Gene: RBBP8 (RB binding protein 8, endonuclease; plus strand). Cytogenetic location: 18q11.2.
Variant type: single nucleotide variant.
Coding change: c.772G>T on transcript NM_002894.3 (MANE Select); coding-DNA position 772, G replaced by T.
Protein change: p.Ala258Ser; replaces alanine 258 with serine.
Molecular consequence: missense variant.
Genome position (GRCh38, 1-based): chr18:22,989,283, G>T. VCF-style: chr18-22989283-G-T. GRCh37 (hg19) VCF-style: chr18-20569246-G-T.
Other names: c.772G>T, p.Ala258Ser (NM_203291.2, NM_203292.2); short protein forms A258S.
Identifiers: ClinVar variation 2804246 (VCV002804246.3), dbSNP rs763868974, ClinGen allele CA8909934.
Genomic context (GRCh38, chr18:22,989,283, plus strand): 5'-GCACATGGAACAAGCAGCTATACCCCTGATAAGTCATCTTTTAATTTAGCTACAGTTGTT[G>T]CTGAAACACTTGGACTTGGTGTTCAAGAAGAATCTGTAAGTAATTGTTTAGTTTGGCAAT-3'
Protein context (NP_002885.1, residues 248-268): KSSFNLATVV[Ala258Ser]ETLGLGVQEE